The following is an entry in ClinVar:

NM_138694.4(PKHD1):c.5060T>G (p.Ile1687Arg)

Genes: PKHD1 (PKHD1 ciliary IPT domain containing fibrocystin/polyductin; minus strand), LOC126859690 (MED14-independent group 3 enhancer GRCh37_chr6:51888848-51890047; plus strand). Cytogenetic location: 6p12.2.
Variant type: single nucleotide variant.
Coding change: c.5060T>G on transcript NM_138694.4 (MANE Select); coding-DNA position 5060, T replaced by G.
Protein change: p.Ile1687Arg; replaces isoleucine 1687 with arginine.
Molecular consequence: missense variant.
Genome position (GRCh38, 1-based): chr6:52,024,750, A>C on the plus strand (T>G on the coding strand, the complement: PKHD1 is on the minus strand). VCF-style: chr6-52024750-A-C. GRCh37 (hg19) VCF-style: chr6-51889548-A-C.
Other names: c.5060T>G, p.Ile1687Arg (NM_170724.3); short protein forms I1687R.
Identifiers: ClinVar variation 2903783 (VCV002903783.3), dbSNP rs794727566, ClinGen allele CA364428872.

ClinVar aggregate classification (germline): Likely pathogenic (1 of 4 stars; one submission).

Conditions:
Autosomal recessive polycystic kidney disease (ARPKD). Also called: AR polycystic kidney disease. Identifiers: Orphanet 731, Orphanet 8378, MedGen C0085548, MeSH D017044, MONDO:0009889.

Submission:

Labcorp Genetics (formerly Invitae), Labcorp
Classification: Likely pathogenic for Autosomal recessive polycystic kidney disease. Last evaluated: 2022-11-29. Review status: criteria provided, single submitter. Criteria: Invitae Variant Classification Sherloc (09022015). Collection method: clinical testing. Allele origin: germline.
Comment: In summary, the currently available evidence indicates that the variant is pathogenic, but additional data are needed to prove that conclusively. Therefore, this variant has been classified as Likely Pathogenic. This variant disrupts the p.Ile1687 amino acid residue in PKHD1. Other variant(s) that disrupt this residue have been determined to be pathogenic (PMID: 15698423, 15706593; Invitae). This suggests that this residue is clinically significant, and that variants that disrupt this residue are likely to be disease-causing. Advanced modeling of protein sequence and biophysical properties (such as structural, functional, and spatial information, amino acid conservation, physicochemical variation, residue mobility, and thermodynamic stability) performed at Invitae indicates that this missense variant is expected to disrupt PKHD1 protein function. This variant has not been reported in the literature in individuals affected with PKHD1-related conditions. This variant is not present in population databases (gnomAD no frequency). This sequence change replaces isoleucine, which is neutral and non-polar, with arginine, which is basic and polar, at codon 1687 of the PKHD1 protein (p.Ile1687Arg).

Literature cited by the submitters: PubMed 15698423; PubMed 15706593.